The following is an entry in ClinVar:

NM_000977.4(RPL13):c.477+1G>A

Gene: RPL13 (ribosomal protein L13; plus strand). Cytogenetic location: 16q24.3.
Variant type: single nucleotide variant.
Coding change: c.477+1G>A on transcript NM_000977.4 (MANE Select); the canonical splice donor site of the intron after coding-DNA position 477, G replaced by A.
Molecular consequence: splice donor variant.
Genome position (GRCh38, 1-based): chr16:89,562,392, G>A. VCF-style: chr16-89562392-G-A. GRCh37 (hg19) VCF-style: chr16-89628800-G-A.
Other names: IVS5DS, G-A, +1; c.336+1G>A (NM_001243131.1); c.477+1G>A (NM_033251.2).
Identifiers: ClinVar variation 689802 (VCV000689802.10), dbSNP rs1597675888, ClinGen allele CA397422089.

ClinVar aggregate classification (germline): Pathogenic/Likely pathogenic. Review status: criteria provided, multiple submitters, no conflicts (2 of 4 stars). 7 submissions from 7 submitters: Pathogenic (4); Likely pathogenic (1). 2 of the submissions do not count toward it. Last evaluated 2025-10-31.

Conditions:
Spondyloepimetaphyseal dysplasia. Identifiers: MedGen C0432211, MONDO:0100510, HP:0002651.
Spondyloepimetaphyseal dysplasia, Isidor-Toutain type. Identifiers: MedGen C5231478, MONDO:0032885, OMIM 618728.

Submissions (7):

Kasturba Medical College, Manipal, Kasturba Medical College, Manipal, Manipal Academy of Higher Education, Manipal, India
Classification: Pathogenic for Spondyloepimetaphyseal dysplasia, Isidor-Toutain type. Last evaluated: 2025-10-31. Review status: criteria provided, single submitter. Criteria: ACMG Guidelines, 2015. Collection method: research. Allele origin: paternal. Inheritance: Autosomal dominant inheritance. Affected: yes. Observed: 1 heterozygote.
Comment: This variant is absent in homozygous and/or heterozygous state in gnomAD (v4.1.0) and in our in-house database of 3851 exomes. Previously reported study has shown that this canonical splice-site variant leads to an in-frame intron 5 retention of 54bp leading to an 18 amino acid insertion. This leads to formation of a 26kDa aberrant protein which might affect translation efficiency (Caignec et al., 2019).

GeneDx
Classification: Pathogenic. Last evaluated: 2024-09-04. Review status: criteria provided, single submitter. Criteria: GeneDx Variant Classification Process June 2021. Collection method: clinical testing. Allele origin: germline. Affected: yes.
Comment: Not observed at significant frequency in large population cohorts (gnomAD); Canonical splice site variant in a gene or region of a gene for which loss of function is not a well-established mechanism of disease; This variant is associated with the following publications: (PMID: 23956136, 31630789, 33247527, 37121912, 37993442, 33001864)

Rare Disease Group, Clinical Genetics, Karolinska Institutet
Classification: Pathogenic for Spondyloepimetaphyseal dysplasia, Isidor-Toutain type. Last evaluated: 2023-06-27. Review status: criteria provided, single submitter. Criteria: ACMG Guidelines, 2015. Collection method: clinical testing. Allele origin: paternal. Affected: yes.
Comment: The variant has previously been reported multiple times to ClinVar (variation ID: 689802) and in the litterature, as well as functional evidence reported that the c.477+1G>A variant leads to an abnormal mRNA containing 54 bp of intron 5.

Undiagnosed Diseases Network, NIH
Classification: Pathogenic for Spondyloepimetaphyseal dysplasia, Isidor-Toutain type. Last evaluated: 2020-05-01. Review status: criteria provided, single submitter. Criteria: ACMG Guidelines, 2015. Collection method: clinical testing. Allele origin: paternal, unknown. Inheritance: Autosomal dominant inheritance. Affected: yes. Observed: 3 heterozygotes. Clinical features observed: Wormian bones (HP:0002645), Tibial bowing (HP:0002982), Thoracic scoliosis (HP:0002943), Spondylometaphyseal dysplasia (HP:0002657), Short stature (HP:0004322), Short femoral neck (HP:0100864), Scoliosis (HP:0002650), Platyspondyly (HP:0000926), Genu varum (HP:0002970), Flat glenoid fossa (HP:0000911), Cutis marmorata (HP:0000965), Coxa vara (HP:0002812), and 36 more. Study: Undiagnosed Diseases Network (NIH), UDN. Segregation with disease observed.
Comment: This variant segregates in multiple affected individuals in the same family (proband, father, and paternal half-sister).

Juno Genomics, Hangzhou Juno Genomics, Inc
Classification: Likely pathogenic for Spondyloepimetaphyseal dysplasia, Isidor-Toutain type. Review status: criteria provided, single submitter. Criteria: ACMG Guidelines, 2015. Collection method: clinical testing. Allele origin: germline. Affected: yes.
Comment: Absent from controls (or at extremely low frequency if recessive) in Genome Aggregation Database, Exome Sequencing Project, 1000 Genomes Project, or Exome Aggregation Consortium.;Patient's phenotype or family history is highly specific for a disease with a single genetic etiology.;The prevalence of the variant in affected individuals is significantly increased compared to the prevalence in controls.;De novo (both maternity and paternity confirmed) in a patient with the disease and no family history.

OMIM
Classification: Pathogenic for SPONDYLOEPIMETAPHYSEAL DYSPLASIA, ISIDOR-TOUTAIN TYPE. Last evaluated: 2020-01-06. Review status: no assertion criteria provided. Collection method: literature only. Allele origin: germline. Not counted in ClinVar's aggregate classification.

Bone sarcomas and remodeling of calcified tissues, INSERM
Classification: Pathogenic for Spondyloepimetaphyseal dysplasia. Last evaluated: 2019-03-28. Review status: no assertion criteria provided. Collection method: clinical testing. Allele origin: de novo. Affected: yes. Not counted in ClinVar's aggregate classification.

Literature cited by the submitters: PubMed 31630789 (cited by 3 submitters); PubMed 23956136 (cited by Bone sarcomas and remodeling of calcified tissues, INSERM).